The following is an entry in ClinVar:

NM_001127208.3(TET2):c.478G>C (p.Val160Leu)

Genes: TET2 (tet methylcytosine dioxygenase 2; plus strand), TET2-AS1 (TET2 antisense RNA 1; minus strand). Cytogenetic location: 4q24.
Variant type: single nucleotide variant.
Coding change: c.478G>C on transcript NM_001127208.3 (MANE Select); coding-DNA position 478, G replaced by C.
Protein change: p.Val160Leu; replaces valine 160 with leucine.
Molecular consequence: missense variant.
Genome position (GRCh38, 1-based): chr4:105,234,420, G>C. VCF-style: chr4-105234420-G-C. GRCh37 (hg19) VCF-style: chr4-106155577-G-C.
Other names: c.478G>C, p.Val160Leu (NM_017628.4); short protein forms V160L.
Identifiers: ClinVar variation 4865495 (VCV004865495.1).

ClinVar aggregate classification (germline): Uncertain significance (1 of 4 stars; one submission).

Submission:

Ambry Genetics
Classification: Uncertain significance. Last evaluated: 2026-03-16. Review status: criteria provided, single submitter. Criteria: Ambry Variant Classification Scheme 2023. Collection method: clinical testing. Allele origin: germline.
Comment: The p.V160L variant (also known as c.478G>C), located in coding exon 1 of the TET2 gene, results from a G to C substitution at nucleotide position 478. The valine at codon 160 is replaced by leucine, an amino acid with highly similar properties. This amino acid position is conserved. In addition, this alteration is predicted to be tolerated by in silico analysis. Based on the available evidence, the clinical significance of this variant remains unclear.